The following is an entry in ClinVar:

NM_001007553.3(CSDE1):c.1812C>T (p.Pro604=)

Gene: CSDE1 (cold shock domain containing E1; minus strand). Cytogenetic location: 1p13.2.
Variant type: single nucleotide variant.
Coding change: c.1812C>T on transcript NM_001007553.3 (MANE Select); coding-DNA position 1812, C replaced by T.
Protein change: p.Pro604=; no amino-acid change (proline 604 retained).
Molecular consequence: synonymous variant.
Genome position (GRCh38, 1-based): chr1:114,723,944, G>A on the plus strand (C>T on the coding strand, the complement: CSDE1 is on the minus strand). VCF-style: chr1-114723944-G-A. GRCh37 (hg19) VCF-style: chr1-115266565-G-A.
Other names: c.1857C>T, p.Pro619= (NM_001130523.3); c.1950C>T, p.Pro650= (NM_001242891.2); c.1812C>T, p.Pro604= (NM_001242892.2); c.1719C>T, p.Pro573= (NM_001242893.2, NM_007158.6).
Identifiers: ClinVar variation 3048224 (VCV003048224.2), dbSNP rs148254828, ClinGen allele CA1020973.

ClinVar aggregate classification (germline): Likely benign (0 of 4 stars; one submission).

Conditions:
CSDE1-related disorder. Also called: CSDE1-related condition.

Allele frequency attached by ClinVar (database versions not stated): ESP Exome Variant Server 0.00008; ExAC 0.00011; gnomAD 0.00011; TOPMed 0.00015; gnomAD exomes 0.00029.
gnomAD v4.1: 433 of 1,613,872 alleles (0.027%); highest among the groups gnomAD compares: Non-Finnish European, 0.033%; 1 homozygote.

Submission:

PreventionGenetics, part of Exact Sciences
Classification: Likely benign for CSDE1-related condition. Last evaluated: 2019-11-20. Review status: no assertion criteria provided. Collection method: clinical testing. Allele origin: germline.
Comment: This variant is classified as likely benign based on ACMG/AMP sequence variant interpretation guidelines (Richards et al. 2015 PMID: 25741868, with internal and published modifications).